The following is an entry in ClinVar:

ClinVar aggregate classification (germline): Uncertain significance (1 of 4 stars; one submission).

Submission:

GeneDx
Classification: Uncertain significance. Last evaluated: 2022-05-23. Review status: criteria provided, single submitter. Criteria: GeneDx Variant Classification Process June 2021. Collection method: clinical testing. Allele origin: germline. Affected: yes.
Comment: Not observed at significant frequency in large population cohorts (gnomAD); In silico analysis supports that this missense variant does not alter protein structure/function; Has not been previously published as pathogenic or benign to our knowledge

NM_015001.3(SPEN):c.2948C>T (p.Ala983Val)

Gene: SPEN (spen family transcriptional repressor; plus strand). Cytogenetic location: 1p36.13.
Variant type: single nucleotide variant.
Coding change: c.2948C>T on transcript NM_015001.3 (MANE Select); coding-DNA position 2948, C replaced by T.
Protein change: p.Ala983Val; replaces alanine 983 with valine.
Molecular consequence: missense variant.
Genome position (GRCh38, 1-based): chr1:15,929,188, C>T. VCF-style: chr1-15929188-C-T. GRCh37 (hg19) VCF-style: chr1-16255683-C-T.
Other names: short protein forms A983V.
Identifiers: ClinVar variation 1800840 (VCV001800840.1), dbSNP rs2523076120, ClinGen allele CA338603521.